The following is an entry in ClinVar:

NM_001099403.2(PRDM8):c.1790C>T (p.Ala597Val)

Gene: PRDM8 (PR/SET domain 8; plus strand). Cytogenetic location: 4q21.21.
Variant type: single nucleotide variant.
Coding change: c.1790C>T on transcript NM_001099403.2 (MANE Select); coding-DNA position 1790, C replaced by T.
Protein change: p.Ala597Val; replaces alanine 597 with valine.
Molecular consequence: missense variant.
Genome position (GRCh38, 1-based): chr4:80,203,252, C>T. VCF-style: chr4-80203252-C-T. GRCh37 (hg19) VCF-style: chr4-81124406-C-T.
Other names: c.1790C>T, p.Ala597Val (NM_020226.4); short protein forms A597V.
Identifiers: ClinVar variation 2147141 (VCV002147141.4), dbSNP rs1271507373, ClinGen allele CA357402766.
Genomic context (GRCh38, chr4:80,203,252, plus strand): 5'-ACGCCACCGCCTTCTGGCCCAAGAGCTCCGCTGCCGCTGCAGCCGCGGCTGCGGCGGCGG[C>T]CGCGGGGCCCTTGCAGCTGCAGCTGCCCTCGGCGCTCACGCTGCTGCCGCCCTCCTTCAC-3'
Protein context (NP_001092873.1, residues 587-607): AAAAAAAAAA[Ala597Val]AGPLQLQLPS

ClinVar aggregate classification (germline): Uncertain significance (1 of 4 stars; one submission).

Conditions:
Early-onset Lafora body disease. Also called: Epilepsy, progressive myoclonic, 10. Identifiers: Orphanet 324290, MedGen C4225258, MONDO:0014717, OMIM 616640.

Allele frequency attached by ClinVar (database versions not stated): gnomAD exomes 0.00001.
gnomAD v4.1: 17 of 1,560,612 alleles (0.0011%); highest among the groups gnomAD compares: East Asian, 0.026%; no homozygotes.

Submission:

Labcorp Genetics (formerly Invitae), Labcorp
Classification: Uncertain significance for Early-onset Lafora body disease. Last evaluated: 2022-03-12. Review status: criteria provided, single submitter. Criteria: Invitae Variant Classification Sherloc (09022015). Collection method: clinical testing. Allele origin: germline.
Comment: This variant has not been reported in the literature in individuals affected with PRDM8-related conditions. Algorithms developed to predict the effect of missense changes on protein structure and function are either unavailable or do not agree on the potential impact of this missense change (SIFT: "Tolerated"; PolyPhen-2: "Probably Damaging"; Align-GVGD: "Class C0"). In summary, the available evidence is currently insufficient to determine the role of this variant in disease. Therefore, it has been classified as a Variant of Uncertain Significance. This sequence change replaces alanine, which is neutral and non-polar, with valine, which is neutral and non-polar, at codon 597 of the PRDM8 protein (p.Ala597Val). This variant is present in population databases (no rsID available, gnomAD 0.002%).